The following is an entry in ClinVar:

ClinVar aggregate classification (germline): Uncertain significance. Review status: criteria provided, multiple submitters, no conflicts (2 of 4 stars). 3 submissions from 3 submitters: Uncertain significance (3). Last evaluated 2026-07-01.

Conditions:
Glycogen storage disease, type II (IOPD). Also called: CARDIOMEGALIA GLYCOGENICA DIFFUSA; GLYCOGENOSIS, GENERALIZED, CARDIAC FORM; GSD II; Glycogen storage disease type 2; Acid maltase deficiency disease; Aglucosidase alfa. Identifiers: Orphanet 365, MedGen C0017921, MONDO:0009290, OMIM 232300.

Allele frequency attached by ClinVar (database versions not stated): gnomAD 0.00001; ESP Exome Variant Server 0.00015.
gnomAD v4.1: 30 of 1,613,356 alleles (0.0019%); highest among the groups gnomAD compares: Non-Finnish European, 0.0025%; no homozygotes.

Submissions (3):

Genomenon, Inc
Classification: Uncertain significance for Glycogen storage disease, type II. Last evaluated: 2026-07-01. Review status: criteria provided, single submitter. Criteria: Genomenon Sequence Variant Interpretation Standards - Updated. Collection method: curation. Allele origin: germline. Affected: yes.
Comment: GAA p.Ala582Pro (c.1744G>C) is a missense variant that changes the amino acid at codon 582 from Alanine to Proline. This variant has been observed in at least one proband with a GAA-related disorder (PMID:40225932). It is absent or not present at a significant frequency in gnomAD. In silico models predict that this variant is possibly or probably damaging. In conclusion, we classify GAA p.Ala582Pro (c.1744G>C) as a variant of uncertain significance.

Revvity Omics, Revvity
Classification: Uncertain significance. Last evaluated: 2024-05-16. Review status: criteria provided, single submitter. Criteria: ACMG Guidelines, 2015. Collection method: clinical testing. Allele origin: germline.

Labcorp Genetics (formerly Invitae), Labcorp
Classification: Uncertain significance for Glycogen storage disease, type II. Last evaluated: 2022-05-27. Review status: criteria provided, single submitter. Criteria: Invitae Variant Classification Sherloc (09022015). Collection method: clinical testing. Allele origin: germline.
Comment: This sequence change replaces alanine, which is neutral and non-polar, with proline, which is neutral and non-polar, at codon 582 of the GAA protein (p.Ala582Pro). This variant is present in population databases (rs369098202, gnomAD 0.0009%). This variant has not been reported in the literature in individuals affected with GAA-related conditions. Advanced modeling of protein sequence and biophysical properties (such as structural, functional, and spatial information, amino acid conservation, physicochemical variation, residue mobility, and thermodynamic stability) performed at Invitae indicates that this missense variant is expected to disrupt GAA protein function. In summary, the available evidence is currently insufficient to determine the role of this variant in disease. Therefore, it has been classified as a Variant of Uncertain Significance.

Literature cited by the submitters: PubMed 40225932 (cited by Genomenon, Inc).

NM_000152.5(GAA):c.1744G>C (p.Ala582Pro)

Gene: GAA (alpha glucosidase; plus strand). Cytogenetic location: 17q25.3.
Variant type: single nucleotide variant.
Coding change: c.1744G>C on transcript NM_000152.5 (MANE Select); coding-DNA position 1744, G replaced by C.
Protein change: p.Ala582Pro; replaces alanine 582 with proline.
Molecular consequence: missense variant.
Genome position (GRCh38, 1-based): chr17:80,112,090, G>C. VCF-style: chr17-80112090-G-C. GRCh37 (hg19) VCF-style: chr17-78085889-G-C.
Other names: c.1744G>C, p.Ala582Pro (NM_001079803.3, NM_001079804.3, NM_001406741.1 and 1 more transcripts); short protein forms A582P.
Identifiers: ClinVar variation 2036968 (VCV002036968.3), dbSNP rs369098202, ClinGen allele CA294895864.
Genomic context (GRCh38, chr17:80,112,090, plus strand): 5'-CACCAGTTTCTCTCCACACACTACAACCTGCACAACCTCTACGGCCTGACCGAAGCCATC[G>C]CCTCCCACAGGTGAGGGCCACGTCCCGCCCCACTGGGCTCTGCCCTCACAGCCTGTCCTA-3'
Protein context (NP_000143.2, residues 572-592): HNLYGLTEAI[Ala582Pro]SHRALVKARG